The following is an entry in ClinVar:

NM_001367498.1(CNTNAP5):c.752T>C (p.Leu251Pro)

Gene: CNTNAP5 (contactin associated protein family member 5; plus strand). Cytogenetic location: 2q14.3.
Variant type: single nucleotide variant.
Coding change: c.752T>C on transcript NM_001367498.1 (MANE Select); coding-DNA position 752, T replaced by C.
Protein change: p.Leu251Pro; replaces leucine 251 with proline.
Molecular consequence: missense variant.
Genome position (GRCh38, 1-based): chr2:124,446,771, T>C. VCF-style: chr2-124446771-T-C. GRCh37 (hg19) VCF-style: chr2-125204348-T-C.
Other names: c.752T>C, p.Leu251Pro (NM_130773.4); short protein forms L251P.
Identifiers: ClinVar variation 778821 (VCV000778821.30), dbSNP rs185130455, ClinGen allele CA1855676.

ClinVar aggregate classification (germline): Likely benign. Review status: criteria provided, multiple submitters, no conflicts (2 of 4 stars). 4 submissions from 4 submitters: Likely benign (3). 1 of the submissions does not count toward it. Last evaluated 2023-03-01.

Conditions:
CNTNAP5-related disorder. Also called: CNTNAP5-related condition.

Allele frequency attached by ClinVar (database versions not stated): 1000 Genomes Project 30x 0.00094; 1000 Genomes Project 0.00100; gnomAD 0.00202 and 0.00205; gnomAD exomes 0.00202 and 0.00299; TOPMed 0.00208; ExAC 0.00226; ESP Exome Variant Server 0.00273.
gnomAD v4.1: 4,638 of 1,613,702 alleles (0.29%); highest among the groups gnomAD compares: Non-Finnish European, 0.35%; 9 homozygotes.

Submissions (4):

CeGaT Center for Human Genetics Tuebingen
Classification: Likely benign. Last evaluated: 2023-03-01. Review status: criteria provided, single submitter. Criteria: CeGaT Center For Human Genetics Tuebingen Variant Classification Criteria Version 2. Collection method: clinical testing. Allele origin: germline. Affected: yes. Observed: 1 variant allele.
Comment: CNTNAP5: BP4, BS2

Labcorp Genetics (formerly Invitae), Labcorp
Classification: Likely benign. Last evaluated: 2019-12-31. Review status: criteria provided, single submitter. Criteria: Invitae Variant Classification Sherloc (09022015). Collection method: clinical testing. Allele origin: germline.

Breakthrough Genomics
Classification: Likely benign. Review status: criteria provided, single submitter. Criteria: ACMG Guidelines, 2015. Collection method: not provided. Allele origin: germline. Inheritance: Unknown mechanism. Affected: yes.

PreventionGenetics, part of Exact Sciences
Classification: Likely benign for CNTNAP5-related condition. Last evaluated: 2022-05-09. Review status: no assertion criteria provided. Collection method: clinical testing. Allele origin: germline. Not counted in ClinVar's aggregate classification.
Comment: This variant is classified as likely benign based on ACMG/AMP sequence variant interpretation guidelines (Richards et al. 2015 PMID: 25741868, with internal and published modifications).